The following is an entry in ClinVar:

NM_000038.6(APC):c.136-2_142del

Gene: APC (APC regulator of Wnt signaling pathway; plus strand). Cytogenetic location: 5q22.2.
Variant type: Deletion.
Coding change: c.136-2_142del on transcript NM_000038.6 (MANE Select); the canonical splice acceptor site of the intron before coding-DNA position 136 through coding-DNA position 142, 9 bases deleted (AGGAAGTAC; older notation c.136-2_142delAGGAAGTAC).
Molecular consequence: splice acceptor variant.
Genome position (GRCh38, 1-based): chr5:112,766,324-112,766,332, AGGAAGTAC deleted; deleting any 9 consecutive bases within chr5:112,766,322-112,766,332 gives the same sequence; the c. name uses the placement nearest the transcript's 3' end. VCF-style (leftmost placement, unchanged base first): chr5-112766321-AACAGGAAGT-A. GRCh37 (hg19) VCF-style: chr5-112102018-AACAGGAAGT-A.
Other names: c.-900-2_-894del (NM_001407470.1, NM_001407472.1, NM_001354906.2 and 1 more transcripts); c.61-2_67del (NM_001354904.2, NM_001407451.1, NM_001354898.2); c.136-2_142del (NM_001407447.1, NM_001354895.2, NM_001354896.2 and 16 more transcripts); c.166-2_172del (NM_001407446.1, NM_001354897.2, NM_001354902.2 and 1 more transcripts); c.-42-2_-36del (NM_001354900.2, NM_001354901.2, NM_001354905.2 and 1 more transcripts).
Identifiers: ClinVar variation 4733126 (VCV004733126.1).
Genomic context (GRCh38, chr5:112,766,321, plus strand): 5'-AATACAGAATCATGTCTTGAAGTTATTTAGAATTTCATGTTAATATATTGTGTTCTTTTT[AACAGGAAGT>A]ACTTAAACAACTACAAGGAAGTATTGAAGATGAAGCTATGGCTTCTTCTGGACAGATTGA-3'

ClinVar aggregate classification (germline): Likely pathogenic (1 of 4 stars; one submission).

Conditions:
Familial adenomatous polyposis 1 (FAP1). Also called: FAMILIAL ADENOMATOUS POLYPOSIS 1, ATTENUATED; POLYPOSIS, ADENOMATOUS INTESTINAL. Identifiers: MedGen C2713442, MONDO:0021056, OMIM 175100. Disease mechanism: loss of function.

Submission:

Labcorp Genetics (formerly Invitae), Labcorp
Classification: Likely pathogenic for Familial adenomatous polyposis 1. Last evaluated: 2025-12-15. Review status: criteria provided, single submitter. Criteria: Invitae Variant Classification Sherloc (09022015). Collection method: clinical testing. Allele origin: germline.
Comment: This variant results in the deletion of part of exon 3 (c.136-2_142del) of the APC gene. RNA analysis indicates that this variant induces altered splicing and may result in an absent or altered protein product. This variant is not present in population databases (gnomAD no frequency). This variant has been observed in individual(s) with APC-related conditions (internal data). Studies have shown that this variant results in skipping of exon 3, and produces a non-functional protein and/or introduces a premature termination codon (internal data). In summary, the currently available evidence indicates that the variant is pathogenic, but additional data are needed to prove that conclusively. Therefore, this variant has been classified as Likely Pathogenic.